The following is an entry in ClinVar:

ClinVar aggregate classification (germline): Uncertain significance. Review status: criteria provided, multiple submitters, no conflicts (2 of 4 stars). 3 submissions from 3 submitters: Uncertain significance (3). Last evaluated 2025-11-02.

Conditions:
Global developmental delay - lung cysts - overgrowth - Wilms tumor syndrome. Also called: GLOW Syndrome; GLOBAL DEVELOPMENTAL DELAY, LUNG CYSTS, OVERGROWTH, AND WILMS TUMOR. Identifiers: Orphanet 404476, MedGen C4748924, MONDO:0018445, OMIM 618272.
Hereditary cancer-predisposing syndrome. Also called: Tumor predisposition; Neoplastic Syndromes, Hereditary; Hereditary Cancer Syndrome; Hereditary neoplastic syndrome. Identifiers: Orphanet 140162, MedGen C0027672, MeSH D009386, MONDO:0015356.
DICER1-related tumor predisposition. Also called: DICER1-related pleuropulmonary blastoma cancer predisposition syndrome; DICER1 syndrome. Identifiers: Orphanet 284343, MedGen C3839822, MONDO:0100216.

Submissions (3):

Labcorp Genetics (formerly Invitae), Labcorp
Classification: Uncertain significance for DICER1-related tumor predisposition. Last evaluated: 2025-11-02. Review status: criteria provided, single submitter. Criteria: Invitae Variant Classification Sherloc (09022015). Collection method: clinical testing. Allele origin: germline.
Comment: This sequence change replaces arginine, which is basic and polar, with serine, which is neutral and polar, at codon 342 of the DICER1 protein (p.Arg342Ser). This variant is not present in population databases (gnomAD no frequency). This variant has not been reported in the literature in individuals affected with DICER1-related conditions. ClinVar contains an entry for this variant (Variation ID: 1769712). Invitae Evidence Modeling of protein sequence and biophysical properties (such as structural, functional, and spatial information, amino acid conservation, physicochemical variation, residue mobility, and thermodynamic stability) indicates that this missense variant is not expected to disrupt DICER1 protein function with a negative predictive value of 95%. In summary, the available evidence is currently insufficient to determine the role of this variant in disease. Therefore, it has been classified as a Variant of Uncertain Significance.

Baylor Genetics
Classification: Uncertain significance for Global developmental delay - lung cysts - overgrowth - Wilms tumor syndrome. Last evaluated: 2023-05-16. Review status: criteria provided, single submitter. Criteria: ACMG Guidelines, 2015. Collection method: clinical testing. Allele origin: unknown.

Ambry Genetics
Classification: Uncertain significance for Hereditary cancer-predisposing syndrome. Last evaluated: 2020-12-24. Review status: criteria provided, single submitter. Criteria: Ambry Variant Classification Scheme 2023. Collection method: clinical testing. Allele origin: germline.
Comment: The p.R342S variant (also known as c.1026G>T), located in coding exon 7 of the DICER1 gene, results from a G to T substitution at nucleotide position 1026. The arginine at codon 342 is replaced by serine, an amino acid with dissimilar properties. This amino acid position is highly conserved in available vertebrate species. In addition, the in silico prediction for this alteration is inconclusive. Since supporting evidence is limited at this time, the clinical significance of this alteration remains unclear.

NM_177438.3(DICER1):c.1026G>T (p.Arg342Ser)

Gene: DICER1 (dicer 1, ribonuclease III; minus strand). Cytogenetic location: 14q32.13.
Variant type: single nucleotide variant.
Coding change: c.1026G>T on transcript NM_177438.3 (MANE Select); coding-DNA position 1026, G replaced by T.
Protein change: p.Arg342Ser; replaces arginine 342 with serine.
Molecular consequence: missense variant. On other transcripts: 5 prime UTR variant (1), non-coding transcript variant (6).
Genome position (GRCh38, 1-based): chr14:95,124,546, C>A on the plus strand (G>T on the coding strand, the complement: DICER1 is on the minus strand). VCF-style: chr14-95124546-C-A. GRCh37 (hg19) VCF-style: chr14-95590883-C-A.
Other names: c.1026G>T, p.Arg342Ser (NM_001195573.1, NM_001271282.3, NM_001291628.2 and 15 more transcripts); c.744G>T, p.Arg248Ser (NM_001395686.1); c.621G>T, p.Arg207Ser (NM_001395687.1, NM_001395688.1, NM_001395689.1 and 3 more transcripts); c.459G>T, p.Arg153Ser (NM_001395691.1); c.-543G>T (NM_001395697.1); short protein forms R342S, R207S, R248S, R153S.
Identifiers: ClinVar variation 1769712 (VCV001769712.6), dbSNP rs2140206572, ClinGen allele CA390887130.
Genomic context (GRCh38, chr14:95,124,546, plus strand): 5'-GTGCTCTTCACATAGTGCATGTATTTTCCTTAGGAAAGTGTCTGTAAACAATAAAAATTT[C>A]CTGTGCAGCTCCTCTTGCTCATGTTTGATGTATTTCTGTAGTTCTCTTACCATCATTCCA-3'
Protein context (NP_803187.1, residues 332-352): YIKHEQEELH[Arg342Ser]KFLLFTDTFL